The following is an entry in ClinVar:

NM_001166686.2(PFKM):c.206-4206A>G

Gene: PFKM (phosphofructokinase, muscle; plus strand). Cytogenetic location: 12q13.11.
Variant type: single nucleotide variant.
Coding change: c.206-4206A>G on transcript NM_001166686.2; 4206 bases into the intron before coding-DNA position 206, A replaced by G.
Molecular consequence: intron variant. On other transcripts: synonymous variant (2), 5 prime UTR variant (1), non-coding transcript variant (1).
Genome position (GRCh38, 1-based): chr12:48,118,561, A>G. VCF-style: chr12-48118561-A-G. GRCh37 (hg19) VCF-style: chr12-48512344-A-G.
Other names: c.285A>G, p.Thr95= (NM_001354735.1, NM_001354736.1); c.-1A>G (NM_001354741.2); c.-8-4206A>G (NM_001354742.2, NM_001354743.2); c.-84-4206A>G (NM_001354747.2); c.206-4206A>G (NM_001439058.1, NM_001354737.1, NM_001354739.1 and 1 more transcripts).
Identifiers: ClinVar variation 2642927 (VCV002642927.22), dbSNP rs956622781, ClinGen allele CA236522580.

ClinVar aggregate classification (germline): Likely benign (1 of 4 stars; one submission).

Allele frequency attached by ClinVar (database versions not stated): gnomAD exomes 0.00001; TOPMed 0.00004; gnomAD 0.00005.
gnomAD v4.1: 27 of 1,512,472 alleles (0.0018%); highest among the groups gnomAD compares: African/African-American, 0.0055%; no homozygotes.

Submission:

CeGaT Center for Human Genetics Tuebingen
Classification: Likely benign. Last evaluated: 2024-12-01. Review status: criteria provided, single submitter. Criteria: CeGaT Center For Human Genetics Tuebingen Variant Classification Criteria Version 2. Collection method: clinical testing. Allele origin: germline. Affected: yes. Observed: 1 variant allele.
Comment: PFKM: BP4, BP7